The following is an entry in ClinVar:

NM_000053.4(ATP7B):c.1270G>C (p.Ala424Pro)

Gene: ATP7B (ATPase copper transporting beta; minus strand). Cytogenetic location: 13q14.3.
Variant type: single nucleotide variant.
Coding change: c.1270G>C on transcript NM_000053.4 (MANE Select); coding-DNA position 1270, G replaced by C.
Protein change: p.Ala424Pro; replaces alanine 424 with proline.
Molecular consequence: missense variant.
Genome position (GRCh38, 1-based): chr13:51,973,950, C>G on the plus strand (G>C on the coding strand, the complement: ATP7B is on the minus strand). VCF-style: chr13-51973950-C-G. GRCh37 (hg19) VCF-style: chr13-52548086-C-G.
Other names: c.1270G>C, p.Ala424Pro (NM_001005918.3, NM_001330578.2, NM_001330579.2 and 29 more transcripts); c.937G>C, p.Ala313Pro (NM_001243182.2); c.1174G>C, p.Ala392Pro (NM_001406530.1, NM_001406536.1, NM_001406517.1 and 3 more transcripts); c.841G>C, p.Ala281Pro (NM_001406539.1); short protein forms A281P, A313P, A392P, A424P.
Identifiers: ClinVar variation 3071254 (VCV003071254.1), dbSNP rs2547813047, ClinGen allele CA388037990.

ClinVar aggregate classification (germline): Uncertain significance (1 of 4 stars; one submission).

Conditions:
Wilson disease (WND). Also called: Wilson's disease. Identifiers: Orphanet 905, MedGen C0019202, MONDO:0010200, OMIM 277900. Disease mechanism: loss of function.

Submission:

All of Us Research Program, National Institutes of Health
Classification: Uncertain significance for Wilson disease. Last evaluated: 2023-05-16. Review status: criteria provided, single submitter. Criteria: ACMG Guidelines, 2015. Collection method: clinical testing. Allele origin: germline. Inheritance: Autosomal recessive inheritance. Observed: 1 variant allele, 1 heterozygote.
Comment: This missense variant replaces alanine with proline at codon 424 of the ATP7B protein. Computational prediction suggests that this variant may have deleterious impact on protein structure and function (internally defined REVEL score threshold >= 0.7, PMID: 27666373). To our knowledge, functional studies have not been reported for this variant. This variant has not been reported in individuals affected with ATP7B-related disorders in the literature. This variant has not been identified in the general population by the Genome Aggregation Database (gnomAD). The available evidence is insufficient to determine the role of this variant in disease conclusively. Therefore, this variant is classified as a Variant of Uncertain Significance.

This study involves interpretation of variants in research participants for the purpose of population health screening. Participant phenotype was not available at the time of variant classification. Additional details can be found in publication PMID: 35346344, PMCID: PMC8962531